The following is an entry in ClinVar:

ClinVar aggregate classification (germline): Uncertain significance. Review status: criteria provided, multiple submitters, no conflicts (2 of 4 stars). 3 submissions from 3 submitters: Uncertain significance (3). Last evaluated 2026-01-01.

Conditions:
Dystonia 12 (DYT12). Also called: DYT-ATP1A3; Rapid-Onset Dystonia-Parkinsonism (RDP). Identifiers: Orphanet 71517, MedGen C1868681, MONDO:0007496, OMIM 128235.

Allele frequency attached by ClinVar (database versions not stated): gnomAD exomes below 0.00001 and 0.00001; gnomAD 0.00001; TOPMed 0.00001.
gnomAD v4.1: 15 of 1,613,956 alleles (0.00093%); highest among the groups gnomAD compares: African/African-American, 0.0027%; no homozygotes.

Submissions (3):

Labcorp Genetics (formerly Invitae), Labcorp
Classification: Uncertain significance for Dystonia 12. Last evaluated: 2026-01-01. Review status: criteria provided, single submitter. Criteria: Invitae Variant Classification Sherloc (09022015). Collection method: clinical testing. Allele origin: germline.
Comment: This sequence change replaces aspartic acid, which is acidic and polar, with asparagine, which is neutral and polar, at codon 220 of the ATP1A3 protein (p.Asp220Asn). This variant is present in population databases (no rsID available, gnomAD no frequency). This missense change has been observed in individual(s) with clinical features of ATP1A3-related conditions (PMID: 22842232, 24739246). ClinVar contains an entry for this variant (Variation ID: 941117). Invitae Evidence Modeling of protein sequence and biophysical properties (such as structural, functional, and spatial information, amino acid conservation, physicochemical variation, residue mobility, and thermodynamic stability) has been performed for this missense variant. However, the output from this modeling did not meet the statistical confidence thresholds required to predict the impact of this variant on ATP1A3 protein function. Experimental studies have shown that this missense change does not substantially affect ATP1A3 function (PMID: 24631656). In summary, the available evidence is currently insufficient to determine the role of this variant in disease. Therefore, it has been classified as a Variant of Uncertain Significance.

GeneDx
Classification: Uncertain significance. Last evaluated: 2024-06-07. Review status: criteria provided, single submitter. Criteria: GeneDx Variant Classification Process June 2021. Collection method: clinical testing. Allele origin: germline. Affected: yes.
Comment: Functional studies indicate the variant results in similar protein function to wild type (PMID: 24631656); In silico analysis indicates that this missense variant does not alter protein structure/function; Not observed at significant frequency in large population cohorts (gnomAD); This variant is associated with the following publications: (PMID: 24739246, 22842232, 24842602, 24631656)

Revvity Omics, Revvity
Classification: Uncertain significance. Last evaluated: 2023-11-16. Review status: criteria provided, single submitter. Criteria: ACMG Guidelines, 2015. Collection method: clinical testing. Allele origin: germline.

Literature cited by the submitters: PubMed 22842232 (cited by Labcorp Genetics (formerly Invitae), Labcorp); PubMed 24739246 (cited by Labcorp Genetics (formerly Invitae), Labcorp); PubMed 24631656 (cited by Labcorp Genetics (formerly Invitae), Labcorp).

NM_152296.5(ATP1A3):c.658G>A (p.Asp220Asn)

Gene: ATP1A3 (ATPase Na+/K+ transporting subunit alpha 3; minus strand). Cytogenetic location: 19q13.2.
Variant type: single nucleotide variant.
Coding change: c.658G>A on transcript NM_152296.5 (MANE Select); coding-DNA position 658, G replaced by A.
Protein change: p.Asp220Asn; replaces aspartic acid 220 with asparagine.
Molecular consequence: missense variant.
Genome position (GRCh38, 1-based): chr19:41,985,372, C>T on the plus strand (G>A on the coding strand, the complement: ATP1A3 is on the minus strand). VCF-style: chr19-41985372-C-T. GRCh37 (hg19) VCF-style: chr19-42489524-C-T.
Other names: c.691G>A, p.Asp231Asn (NM_001256213.2); c.697G>A, p.Asp233Asn (NM_001256214.2); short protein forms D220N, D233N, D231N.
Identifiers: ClinVar variation 941117 (VCV000941117.12), dbSNP rs1396898460, ClinGen allele CA406054091.